The following is an entry in ClinVar:

ClinVar aggregate classification (germline): Conflicting classifications of pathogenicity. Review status: criteria provided, conflicting classifications (1 of 4 stars). 2 submissions from 2 submitters: Uncertain significance (1); Likely benign (1). Last evaluated 2023-04-27.

Conditions:
Inborn genetic diseases. Identifiers: MedGen C0950123, MeSH D030342.

gnomAD v4.1: 26 of 1,602,752 alleles (0.0016%); highest among the groups gnomAD compares: Non-Finnish European, 0.0021%; no homozygotes.

Submissions (2):

Ambry Genetics
Classification: Likely benign for Inborn genetic diseases. Last evaluated: 2023-04-27. Review status: criteria provided, single submitter. Criteria: Ambry Variant Classification Scheme 2023. Collection method: clinical testing. Allele origin: germline.

Labcorp Genetics (formerly Invitae), Labcorp
Classification: Uncertain significance. Last evaluated: 2021-09-24. Review status: criteria provided, single submitter. Criteria: Invitae Variant Classification Sherloc (09022015). Collection method: clinical testing. Allele origin: germline.
Comment: This sequence change replaces arginine with histidine at codon 1903 of the PCNT protein (p.Arg1903His). The arginine residue is weakly conserved and there is a small physicochemical difference between arginine and histidine. This variant is not present in population databases (ExAC no frequency). This variant has not been reported in the literature in individuals with PCNT-related conditions. Algorithms developed to predict the effect of missense changes on protein structure and function output the following: SIFT: "Tolerated"; PolyPhen-2: "Benign"; Align-GVGD: "Class C0". The histidine amino acid residue is found in multiple mammalian species, suggesting that this missense change does not adversely affect protein function. These predictions have not been confirmed by published functional studies and their clinical significance is uncertain. In summary, the available evidence is currently insufficient to determine the role of this variant in disease. Therefore, it has been classified as a Variant of Uncertain Significance.

NM_006031.6(PCNT):c.5708G>A (p.Arg1903His)

Gene: PCNT (pericentrin; plus strand). Cytogenetic location: 21q22.3.
Variant type: single nucleotide variant.
Coding change: c.5708G>A on transcript NM_006031.6 (MANE Select); coding-DNA position 5708, G replaced by A.
Protein change: p.Arg1903His; replaces arginine 1903 with histidine.
Molecular consequence: missense variant.
Genome position (GRCh38, 1-based): chr21:46,411,781, G>A. VCF-style: chr21-46411781-G-A. GRCh37 (hg19) VCF-style: chr21-47831695-G-A.
Other names: c.5354G>A, p.Arg1785His (NM_001315529.2); c.5708G>A (NM_006031.5); short protein forms R1785H, R1903H.
Identifiers: ClinVar variation 1504973 (VCV001504973.6), dbSNP rs776232288, ClinGen allele CA410556149.